The following is an entry in ClinVar:

NM_017636.4(TRPM4):c.2129T>G (p.Phe710Cys)

Gene: TRPM4 (transient receptor potential cation channel subfamily M member 4; plus strand). Cytogenetic location: 19q13.33.
Variant type: single nucleotide variant.
Coding change: c.2129T>G on transcript NM_017636.4 (MANE Select); coding-DNA position 2129, T replaced by G.
Protein change: p.Phe710Cys; replaces phenylalanine 710 with cysteine.
Molecular consequence: missense variant.
Genome position (GRCh38, 1-based): chr19:49,190,317, T>G. VCF-style: chr19-49190317-T-G. GRCh37 (hg19) VCF-style: chr19-49693574-T-G.
Other names: c.2129T>G, p.Phe710Cys (NM_001195227.2); c.1784T>G, p.Phe595Cys (NM_001321281.2); c.521T>G, p.Phe174Cys (NM_001321282.2); c.1607T>G, p.Phe536Cys (NM_001321283.2); c.1067T>G, p.Phe356Cys (NM_001321285.2); short protein forms F710C, F356C, F536C, F595C, F174C.
Identifiers: ClinVar variation 536794 (VCV000536794.11), dbSNP rs1177273600, ClinGen allele CA406805580.

ClinVar aggregate classification (germline): Uncertain significance. Review status: criteria provided, multiple submitters, no conflicts (2 of 4 stars). 2 submissions from 2 submitters: Uncertain significance (2). Last evaluated 2025-05-14.

Conditions:
Progressive familial heart block type IB (PFHB1B). Identifiers: Orphanet 871, MedGen C1970298, MONDO:0011474, OMIM 604559.
Cardiovascular phenotype. Identifiers: MedGen CN230736.

Allele frequency attached by ClinVar (database versions not stated): gnomAD 0.00003 and 0.00002; TOPMed 0.00002.
gnomAD v4.1: 3 of 1,613,772 alleles (0.00019%); highest among the groups gnomAD compares: African/African-American, 0.004%; no homozygotes.

Submissions (2):

Ambry Genetics
Classification: Uncertain significance for Cardiovascular phenotype. Last evaluated: 2025-05-14. Review status: criteria provided, single submitter. Criteria: Ambry Variant Classification Scheme 2023. Collection method: clinical testing. Allele origin: germline.

Labcorp Genetics (formerly Invitae), Labcorp
Classification: Uncertain significance for Progressive familial heart block type IB. Last evaluated: 2024-11-30. Review status: criteria provided, single submitter. Criteria: Invitae Variant Classification Sherloc (09022015). Collection method: clinical testing. Allele origin: germline.
Comment: This sequence change replaces phenylalanine, which is neutral and non-polar, with cysteine, which is neutral and slightly polar, at codon 710 of the TRPM4 protein (p.Phe710Cys). This variant is not present in population databases (gnomAD no frequency). This variant has not been reported in the literature in individuals affected with TRPM4-related conditions. ClinVar contains an entry for this variant (Variation ID: 536794). An algorithm developed to predict the effect of missense changes on protein structure and function (PolyPhen-2) suggests that this variant is likely to be disruptive. In summary, the available evidence is currently insufficient to determine the role of this variant in disease. Therefore, it has been classified as a Variant of Uncertain Significance.